The following is an entry in ClinVar:

ClinVar aggregate classification (germline): Conflicting classifications of pathogenicity. Review status: criteria provided, conflicting classifications (1 of 4 stars). 6 submissions from 6 submitters: Uncertain significance (3); Likely benign (2). 1 of the submissions does not count toward it. Last evaluated 2025-06-23.

Conditions:
Hereditary cancer-predisposing syndrome. Also called: Tumor predisposition; Neoplastic Syndromes, Hereditary; Hereditary neoplastic syndrome; Hereditary Cancer Syndrome. Identifiers: Orphanet 140162, MedGen C0027672, MeSH D009386, MONDO:0015356.
Hereditary breast ovarian cancer syndrome. Also called: Hereditary breast and ovarian cancer; Hereditary breast and ovarian cancer syndrome (HBOC); Hereditary breast and/or ovarian cancer syndrome; Breast and ovarian cancer; Hereditary breast and ovarian cancer syndrome; BRCA1- and BRCA2-Associated Hereditary Breast and Ovarian Cancer. Identifiers: Orphanet 145, MedGen C0677776, MeSH D061325, MONDO:0003582. Disease mechanism: loss of function.
Breast-ovarian cancer, familial, susceptibility to, 2 (BROVCA2). Also called: BRCA2 Hereditary Breast and Ovarian Cancer. Identifiers: Orphanet 145, MedGen C2675520, MONDO:0012933, OMIM 612555. Disease mechanism: loss of function.

Allele frequency attached by ClinVar (database versions not stated): gnomAD exomes below 0.00001 and 0.00001.
gnomAD v4.1: 18 of 1,613,724 alleles (0.0011%); highest among the groups gnomAD compares: Non-Finnish European, 0.0015%; no homozygotes.

Submissions (6):

Color Diagnostics, LLC DBA Color Health
Classification: Uncertain significance for Hereditary cancer-predisposing syndrome. Last evaluated: 2025-06-23. Review status: criteria provided, single submitter. Criteria: ACMG Guidelines, 2015. Collection method: clinical testing. Allele origin: germline.
Comment: This missense variant replaces tyrosine with cysteine at codon 1207 of the BRCA2 protein. Computational prediction suggests that this variant may not impact protein structure and function. To our knowledge, functional studies have not been reported for this variant. This variant has been reported in a breast cancer case-control meta-analysis in 1/60465 cases and 1/53460 unaffected individuals (PMID: 33471991Leiden Open Variation Database DB-ID BRCA2_008086). This variant has been identified in 1/250896 chromosomes in the general population by the Genome Aggregation Database (gnomAD). The available evidence is insufficient to determine the role of this variant in disease conclusively. Therefore, this variant is classified as a Variant of Uncertain Significance.

Labcorp Genetics (formerly Invitae), Labcorp
Classification: Uncertain significance for Hereditary breast ovarian cancer syndrome. Last evaluated: 2024-04-13. Review status: criteria provided, single submitter. Criteria: Invitae Variant Classification Sherloc (09022015). Collection method: clinical testing. Allele origin: germline.
Comment: This sequence change replaces tyrosine, which is neutral and polar, with cysteine, which is neutral and slightly polar, at codon 1207 of the BRCA2 protein (p.Tyr1207Cys). The frequency data for this variant in the population databases is considered unreliable, as metrics indicate poor data quality at this position in the gnomAD database. This variant has not been reported in the literature in individuals affected with BRCA2-related conditions. ClinVar contains an entry for this variant (Variation ID: 37848). Advanced modeling of protein sequence and biophysical properties (such as structural, functional, and spatial information, amino acid conservation, physicochemical variation, residue mobility, and thermodynamic stability) performed at Invitae indicates that this missense variant is not expected to disrupt BRCA2 protein function with a negative predictive value of 95%. In summary, the available evidence is currently insufficient to determine the role of this variant in disease. Therefore, it has been classified as a Variant of Uncertain Significance.

Ambry Genetics
Classification: Likely benign for Hereditary cancer-predisposing syndrome. Last evaluated: 2023-12-28. Review status: criteria provided, single submitter. Criteria: Ambry Variant Classification Scheme 2023. Collection method: clinical testing. Allele origin: germline.

University of Washington Department of Laboratory Medicine, University of Washington
Classification: Likely benign for Hereditary cancer-predisposing syndrome. Last evaluated: 2023-03-23. Review status: criteria provided, single submitter. Criteria: Dines et al. (Genet Med. 2020). Collection method: curation. Allele origin: germline.
Comment: Missense variant in a coldspot region where missense variants are very unlikely to be pathogenic (PMID:31911673).

BRCA2 exon 11 coldspot. Reclassification based on statistical prior probability.

GeneDx
Classification: Uncertain significance. Last evaluated: 2015-10-09. Review status: criteria provided, single submitter. Criteria: GeneDx Variant Classification (06012015). Collection method: clinical testing. Allele origin: germline. Affected: yes.
Comment: This variant is denoted BRCA2 c.3620A>G at the cDNA level, p.Tyr1207Cys (Y1207C) at the protein level, and results in the change of a Tyrosine to a Cysteine (TAT>TGT). Using alternate nomenclature, this variant would be defined as BRCA2 3848A>G. This variant has not, to our knowledge, been published in the literature as being pathogenic or benign. BRCA2 Tyr1207Cys was not observed in approximately 6,500 individuals of European and African American ancestry in the NHLBI Exome Sequencing Project, indicating it is not a common benign variant in these populations. Since Tyrosine and Cysteine differ in polarity, charge, size or other properties, this is considered a non-conservative amino acid substitution. BRCA2 Tyr1207Cys occurs at a position that is not conserved and is not located in a known functional domain (UniProt). In silico analyses predict that this variant is unlikely to alter protein structure or function. Based on currently available evidence, it is unclear whether BRCA2 Tyr1207Cys is pathogenic or benign.

Sharing Clinical Reports Project (SCRP)
Classification: Uncertain significance for Breast-ovarian cancer, familial 2. Last evaluated: 2009-02-05. Review status: no assertion criteria provided. Collection method: clinical testing. Allele origin: germline. Not counted in ClinVar's aggregate classification.

Literature cited by the submitters: PubMed 33471991 (cited by Color Diagnostics, LLC DBA Color Health).

NM_000059.4(BRCA2):c.3620A>G (p.Tyr1207Cys)

Gene: BRCA2 (BRCA2 DNA repair associated; plus strand). Cytogenetic location: 13q13.1.
Variant type: single nucleotide variant.
Coding change: c.3620A>G on transcript NM_000059.4 (MANE Select); coding-DNA position 3620, A replaced by G.
Protein change: p.Tyr1207Cys; replaces tyrosine 1207 with cysteine.
Molecular consequence: missense variant.
Genome position (GRCh38, 1-based): chr13:32,337,975, A>G. VCF-style: chr13-32337975-A-G. GRCh37 (hg19) VCF-style: chr13-32912112-A-G.
Other names: 3848A>G; short protein forms Y1207C.
Identifiers: ClinVar variation 37848 (VCV000037848.19), dbSNP rs397507310, ClinGen allele CA018414.